The following is an entry in ClinVar:

NM_004211.5(SLC6A5):c.1583C>G (p.Ala528Gly)

Gene: SLC6A5 (solute carrier family 6 member 5; plus strand). Cytogenetic location: 11p15.1.
Variant type: single nucleotide variant.
Coding change: c.1583C>G on transcript NM_004211.5 (MANE Select); coding-DNA position 1583, C replaced by G.
Protein change: p.Ala528Gly; replaces alanine 528 with glycine.
Molecular consequence: missense variant.
Genome position (GRCh38, 1-based): chr11:20,630,774, C>G. VCF-style: chr11-20630774-C-G. GRCh37 (hg19) VCF-style: chr11-20652320-C-G.
Other names: c.881C>G, p.Ala294Gly (NM_001318369.2); short protein forms A294G, A528G.
Identifiers: ClinVar variation 1303372 (VCV001303372.4), dbSNP rs1853094457, ClinGen allele CA379917575.
Genomic context (GRCh38, chr11:20,630,774, plus strand): 5'-CCAACAGTGCCACAAGCATCTTTGCCGGCTTCGTCATCTTCTCCGTTATCGGCTTCATGG[C>G]CAATGAACGCAAAGTCAACATTGAGAATGTGGCAGACCAAGGTACAGGACAGTTGTTACC-3'
Protein context (NP_004202.4, residues 518-538): FVIFSVIGFM[Ala528Gly]NERKVNIENV

ClinVar aggregate classification (germline): Uncertain significance. Review status: criteria provided, multiple submitters, no conflicts (2 of 4 stars). 2 submissions from 2 submitters: Uncertain significance (2). Last evaluated 2025-11-03.

Conditions:
Hyperekplexia 3 (HKPX3). Also called: HYPEREKPLEXIA 3, AUTOSOMAL RECESSIVE; HYPEREKPLEXIA 3, AUTOSOMAL DOMINANT. Identifiers: Orphanet 3197, MedGen C3553288, MONDO:0013827, OMIM 614618.

Allele frequency attached by ClinVar (database versions not stated): TOPMed below 0.00001.

Submissions (2):

Labcorp Genetics (formerly Invitae), Labcorp
Classification: Uncertain significance for Hyperekplexia 3. Last evaluated: 2025-11-03. Review status: criteria provided, single submitter. Criteria: Invitae Variant Classification Sherloc (09022015). Collection method: clinical testing. Allele origin: germline.
Comment: This sequence change replaces alanine, which is neutral and non-polar, with glycine, which is neutral and non-polar, at codon 528 of the SLC6A5 protein (p.Ala528Gly). This variant is not present in population databases (gnomAD no frequency). This variant has not been reported in the literature in individuals affected with SLC6A5-related conditions. ClinVar contains an entry for this variant (Variation ID: 1303372). Invitae Evidence Modeling of protein sequence and biophysical properties (such as structural, functional, and spatial information, amino acid conservation, physicochemical variation, residue mobility, and thermodynamic stability) has been performed for this missense variant. However, the output from this modeling did not meet the statistical confidence thresholds required to predict the impact of this variant on SLC6A5 protein function. In summary, the available evidence is currently insufficient to determine the role of this variant in disease. Therefore, it has been classified as a Variant of Uncertain Significance.

GeneDx
Classification: Uncertain significance. Last evaluated: 2019-05-01. Review status: criteria provided, single submitter. Criteria: GeneDx Variant Classification Process June 2021. Collection method: clinical testing. Allele origin: germline. Affected: yes.
Comment: Not observed in large population cohorts (Lek et al., 2016); In silico analysis, which includes protein predictors and evolutionary conservation, supports a deleterious effect; Has not been previously published as pathogenic or benign to our knowledge